The following is an entry in ClinVar:

ClinVar aggregate classification (germline): Uncertain significance. Review status: criteria provided, multiple submitters, no conflicts (2 of 4 stars). 2 submissions from 2 submitters: Uncertain significance (2). Last evaluated 2022-09-06.

Conditions:
Inborn genetic diseases. Identifiers: MedGen C0950123, MeSH D030342.
Joubert syndrome 14 (JBTS14). Identifiers: MedGen C3280766, MONDO:0013745, OMIM 614424.

Allele frequency attached by ClinVar (database versions not stated): gnomAD 0.00001; gnomAD exomes 0.00001; TOPMed 0.00002.

Submissions (2):

Labcorp Genetics (formerly Invitae), Labcorp
Classification: Uncertain significance for Joubert syndrome 14. Last evaluated: 2022-09-06. Review status: criteria provided, single submitter. Criteria: Invitae Variant Classification Sherloc (09022015). Collection method: clinical testing. Allele origin: germline.
Comment: This sequence change falls in intron 11 of the TMEM237 gene. It does not directly change the encoded amino acid sequence of the TMEM237 protein. This variant is present in population databases (rs758523904, gnomAD 0.006%). This variant has not been reported in the literature in individuals affected with TMEM237-related conditions. ClinVar contains an entry for this variant (Variation ID: 1484284). Algorithms developed to predict the effect of sequence changes on RNA splicing suggest that this variant may disrupt the consensus splice site. In summary, the available evidence is currently insufficient to determine the role of this variant in disease. Therefore, it has been classified as a Variant of Uncertain Significance.

Ambry Genetics
Classification: Uncertain significance for Inborn genetic diseases. Last evaluated: 2021-10-07. Review status: criteria provided, single submitter. Criteria: Ambry Variant Classification Scheme 2023. Collection method: clinical testing. Allele origin: germline.
Comment: The c.1038-6T>G intronic alteration consists of a T to G substitution 6 nucleotides before exon 12 of the TMEM237 gene. Based on insufficient or conflicting evidence, the clinical significance of this alteration remains unclear.

NM_001044385.3(TMEM237):c.1038-6T>G

Gene: TMEM237 (transmembrane protein 237; minus strand). Cytogenetic location: 2q33.1.
Variant type: single nucleotide variant.
Coding change: c.1038-6T>G on transcript NM_001044385.3 (MANE Select); 6 bases into the intron before coding-DNA position 1038, T replaced by G.
Molecular consequence: intron variant.
Genome position (GRCh38, 1-based): chr2:201,626,153, A>C on the plus strand (T>G on the coding strand, the complement: TMEM237 is on the minus strand). VCF-style: chr2-201626153-A-C. GRCh37 (hg19) VCF-style: chr2-202490876-A-C.
Other names: c.1038-6T>G (NM_001044385.1); c.1014-6T>G (NM_152388.4).
Identifiers: ClinVar variation 1484284 (VCV001484284.4), dbSNP rs758523904, ClinGen allele CA2056309.